The following is an entry in ClinVar:

ClinVar aggregate classification (germline): Uncertain significance (1 of 4 stars; one submission).

Conditions:
Baller-Gerold syndrome (BGS). Also called: CRANIOSYNOSTOSIS WITH RADIAL DEFECTS. Identifiers: Orphanet 1225, MedGen C0265308, MONDO:0009039, OMIM 218600.

Submission:

Labcorp Genetics (formerly Invitae), Labcorp
Classification: Uncertain significance for Baller-Gerold syndrome. Last evaluated: 2021-03-12. Review status: criteria provided, single submitter. Criteria: Invitae Variant Classification Sherloc (09022015). Collection method: clinical testing. Allele origin: germline.
Comment: This variant is not present in population databases (ExAC no frequency). This sequence change replaces aspartic acid with glutamic acid at codon 538 of the RECQL4 protein (p.Asp538Glu). The aspartic acid residue is highly conserved and there is a small physicochemical difference between aspartic acid and glutamic acid. This variant has not been reported in the literature in individuals with RECQL4-related conditions. Experimental studies and prediction algorithms are not available or were not evaluated, and the functional significance of this variant is currently unknown. In summary, the available evidence is currently insufficient to determine the role of this variant in disease. Therefore, it has been classified as a Variant of Uncertain Significance.

NM_004260.4(RECQL4):c.1614T>G (p.Asp538Glu)

Gene: RECQL4 (RecQ like helicase 4; minus strand). Cytogenetic location: 8q24.3.
Variant type: single nucleotide variant.
Coding change: c.1614T>G on transcript NM_004260.4 (MANE Select); coding-DNA position 1614, T replaced by G.
Protein change: p.Asp538Glu; replaces aspartic acid 538 with glutamic acid.
Molecular consequence: missense variant.
Genome position (GRCh38, 1-based): chr8:144,514,942, A>C on the plus strand (T>G on the coding strand, the complement: RECQL4 is on the minus strand). VCF-style: chr8-144514942-A-C. GRCh37 (hg19) VCF-style: chr8-145740326-A-C.
Other names: short protein forms D538E.
Identifiers: ClinVar variation 1484545 (VCV001484545.6), dbSNP rs563786469, ClinGen allele CA372683412.